The following is an entry in ClinVar:

NM_006015.6(ARID1A):c.6795G>A (p.Pro2265=)

Gene: ARID1A (AT-rich interaction domain 1A; plus strand). Cytogenetic location: 1p36.11.
Variant type: single nucleotide variant.
Coding change: c.6795G>A on transcript NM_006015.6 (MANE Select); coding-DNA position 6795, G replaced by A.
Protein change: p.Pro2265=; no amino-acid change (proline 2265 retained).
Molecular consequence: synonymous variant.
Genome position (GRCh38, 1-based): chr1:26,780,693, G>A. VCF-style: chr1-26780693-G-A. GRCh37 (hg19) VCF-style: chr1-27107184-G-A.
Other names: c.6144G>A, p.Pro2048= (NM_139135.4).
Identifiers: ClinVar variation 3054068 (VCV003054068.2), dbSNP rs755072824, ClinGen allele CA707902.
Genomic context (GRCh38, chr1:26,780,693, plus strand): 5'-CGAGAACCACTCAGAGTTTACTCTGTACGAATCACGGCTGTTGGACATCTCGGTATCACC[G>A]TTGATGAACTCATTGGTTTCACAAGTCATTTGTGATGTACTGTTTTTGATTGGCCAGTCA-3'
Protein context (NP_006006.3, residues 2255-2275): ESRLLDISVS[Pro2265=]LMNSLVSQVI

ClinVar aggregate classification (germline): Likely benign (0 of 4 stars; one submission).

Conditions:
ARID1A-related disorder. Also called: ARID1A-related condition.

Allele frequency attached by ClinVar (database versions not stated): ExAC 0.00001; gnomAD 0.00001; TOPMed 0.00002.
gnomAD v4.1: 12 of 1,597,586 alleles (0.00075%); highest among the groups gnomAD compares: African/African-American, 0.0027%; no homozygotes.

Submission:

PreventionGenetics, part of Exact Sciences
Classification: Likely benign for ARID1A-related condition. Last evaluated: 2022-11-17. Review status: no assertion criteria provided. Collection method: clinical testing. Allele origin: germline.
Comment: This variant is classified as likely benign based on ACMG/AMP sequence variant interpretation guidelines (Richards et al. 2015 PMID: 25741868, with internal and published modifications).